The following is an entry in ClinVar:

NM_001077350.3(NPRL3):c.1595A>G (p.Asn532Ser)

Gene: NPRL3 (NPR3 like, GATOR1 complex subunit; minus strand). Cytogenetic location: 16p13.3.
Variant type: single nucleotide variant.
Coding change: c.1595A>G on transcript NM_001077350.3 (MANE Select); coding-DNA position 1595, A replaced by G.
Protein change: p.Asn532Ser; replaces asparagine 532 with serine.
Molecular consequence: missense variant.
Genome position (GRCh38, 1-based): chr16:86,820, T>C on the plus strand (A>G on the coding strand, the complement: NPRL3 is on the minus strand). VCF-style: chr16-86820-T-C. GRCh37 (hg19) VCF-style: chr16-136819-T-C.
Other names: c.1058A>G, p.Asn353Ser (NM_001039476.3); c.1361A>G, p.Asn454Ser (NM_001243247.2); c.1520A>G, p.Asn507Ser (NM_001243248.2, NM_001243249.2); short protein forms N353S, N532S, N454S, N507S.
Identifiers: ClinVar variation 1037271 (VCV001037271.7), dbSNP rs371517875, ClinGen allele CA7769266.

ClinVar aggregate classification (germline): Uncertain significance (1 of 4 stars; one submission).

Conditions:
Epilepsy, familial focal, with variable foci 3 (FFEVF3). Identifiers: MedGen C4310708, MONDO:0014925, OMIM 617118.

Allele frequency attached by ClinVar (database versions not stated): TOPMed below 0.00001; gnomAD exomes 0.00001 and 0.00002; ExAC 0.00003; ESP Exome Variant Server 0.00008.
gnomAD v4.1: 16 of 1,613,366 alleles (0.00099%); highest among the groups gnomAD compares: South Asian, 0.014%; no homozygotes.

Submission:

Labcorp Genetics (formerly Invitae), Labcorp
Classification: Uncertain significance for Epilepsy, familial focal, with variable foci 3. Last evaluated: 2020-08-31. Review status: criteria provided, single submitter. Criteria: Invitae Variant Classification Sherloc (09022015). Collection method: clinical testing. Allele origin: germline.
Comment: In summary, the available evidence is currently insufficient to determine the role of this variant in disease. Therefore, it has been classified as a Variant of Uncertain Significance. Experimental studies and prediction algorithms are not available or were not evaluated, and the functional significance of this variant is currently unknown. This variant has not been reported in the literature in individuals with NPRL3-related conditions. This variant is present in population databases (rs371517875, ExAC 0.01%). This sequence change replaces asparagine with serine at codon 532 of the NPRL3 protein (p.Asn532Ser). The asparagine residue is moderately conserved and there is a small physicochemical difference between asparagine and serine.